The following is an entry in ClinVar:

ClinVar aggregate classification (germline): Uncertain significance (1 of 4 stars; one submission).

Conditions:
Hereditary breast ovarian cancer syndrome. Also called: Hereditary breast and ovarian cancer syndrome (HBOC); Hereditary breast and ovarian cancer; Breast and ovarian cancer; Hereditary breast and/or ovarian cancer syndrome; BRCA1- and BRCA2-Associated Hereditary Breast and Ovarian Cancer; Hereditary breast and ovarian cancer syndrome. Identifiers: Orphanet 145, MedGen C0677776, MeSH D061325, MONDO:0003582. Disease mechanism: loss of function.

Submission:

Labcorp Genetics (formerly Invitae), Labcorp
Classification: Uncertain significance for Hereditary breast ovarian cancer syndrome. Last evaluated: 2025-10-20. Review status: criteria provided, single submitter. Criteria: Invitae Variant Classification Sherloc (09022015). Collection method: clinical testing. Allele origin: germline.
Comment: This sequence change replaces phenylalanine, which is neutral and non-polar, with leucine, which is neutral and non-polar, at codon 721 of the BRCA1 protein (p.Phe721Leu). This variant is not present in population databases (gnomAD no frequency). This variant has not been reported in the literature in individuals affected with BRCA1-related conditions. Invitae Evidence Modeling of protein sequence and biophysical properties (such as structural, functional, and spatial information, amino acid conservation, physicochemical variation, residue mobility, and thermodynamic stability) indicates that this missense variant is not expected to disrupt BRCA1 protein function with a negative predictive value of 80%. In summary, the available evidence is currently insufficient to determine the role of this variant in disease. Therefore, it has been classified as a Variant of Uncertain Significance.

NM_007294.4(BRCA1):c.2163T>G (p.Phe721Leu)

Gene: BRCA1 (BRCA1 DNA repair associated; minus strand). Cytogenetic location: 17q21.31.
Variant type: single nucleotide variant.
Coding change: c.2163T>G on transcript NM_007294.4 (MANE Select); coding-DNA position 2163, T replaced by G.
Protein change: p.Phe721Leu; replaces phenylalanine 721 with leucine.
Molecular consequence: missense variant. On other transcripts: intron variant (137).
Genome position (GRCh38, 1-based): chr17:43,093,368, A>C on the plus strand (T>G on the coding strand, the complement: BRCA1 is on the minus strand). VCF-style: chr17-43093368-A-C. GRCh37 (hg19) VCF-style: chr17-41245385-A-C.
Other names: c.784+1376T>G (NM_001407985.1, NM_001408397.1, NM_001408401.1 and 13 more transcripts); c.548-2336T>G (NM_001408494.1); c.2022T>G, p.Phe674Leu (NM_001407731.1, NM_001407732.1, NM_001407733.1 and 29 more transcripts); c.664+1376T>G (NM_001408444.1, NM_001408438.1, NM_001408430.1 and 12 more transcripts); c.671-2336T>G (NM_001408423.1, NM_001408420.1, NM_001408419.1 and 2 more transcripts); c.787+1376T>G (NM_001408404.1, NM_001408472.1, NM_001407990.1 and 17 more transcripts); c.788-1229T>G (NM_001407969.1, NM_001407968.1); c.577+1376T>G (NM_001408492.1, NM_001408513.1, NM_001408481.1 and 9 more transcripts); and 41 more; short protein forms F425L, F553L, F593L, F594L, F609L, F610L, F632L, F633L.
Identifiers: ClinVar variation 4800851 (VCV004800851.1).
Genomic context (GRCh38, chr17:43,093,368, plus strand): 5'-AGACACTTTAACTGTTTCTAGTTTCTCTTCTTTTTCTTCTCTTGGAAGGCTAGGATTGAC[A>C]AATTCTTTAAGTTCACTGGTATTTGAACACTTAGTAAAAGAACCAGGTGCATTTGTTAAC-3'
Protein context (NP_009225.1, residues 711-731): KCSNTSELKE[Phe721Leu]VNPSLPREEK